The following is an entry in ClinVar:

NM_001130438.3(SPTAN1):c.572T>C (p.Phe191Ser)

Gene: SPTAN1 (spectrin alpha, non-erythrocytic 1; plus strand). Cytogenetic location: 9q34.11.
Variant type: single nucleotide variant.
Coding change: c.572T>C on transcript NM_001130438.3 (MANE Select); coding-DNA position 572, T replaced by C.
Protein change: p.Phe191Ser; replaces phenylalanine 191 with serine.
Molecular consequence: missense variant.
Genome position (GRCh38, 1-based): chr9:128,575,266, T>C. VCF-style: chr9-128575266-T-C. GRCh37 (hg19) VCF-style: chr9-131337545-T-C.
Other names: c.572T>C, p.Phe191Ser (NM_001195532.2, NM_001363759.2, NM_001363765.2 and 5 more transcripts); c.608T>C, p.Phe203Ser (NM_001375312.2, NM_001375318.1); short protein forms F191S, F203S.
Identifiers: ClinVar variation 3363729 (VCV003363729.2).

ClinVar aggregate classification (germline): Uncertain significance (1 of 4 stars; one submission).

Submission:

GeneDx
Classification: Uncertain significance. Last evaluated: 2026-07-03. Review status: criteria provided, single submitter. Criteria: GeneDx Variant Classification Process June 2021. Collection method: clinical testing. Allele origin: germline.
Comment: Not observed at significant frequency in large population cohorts (gnomAD); In silico analysis supports that this missense variant has a deleterious effect on protein structure/function; Has not been previously published as pathogenic or benign to our knowledge